The following is an entry in ClinVar:

NM_000264.5(PTCH1):c.2548G>A (p.Asp850Asn)

Genes: PTCH1 (patched 1; minus strand), LOC100507346 (uncharacterized LOC100507346; plus strand). Cytogenetic location: 9q22.32.
Variant type: single nucleotide variant.
Coding change: c.2548G>A on transcript NM_000264.5 (MANE Select); coding-DNA position 2548, G replaced by A.
Protein change: p.Asp850Asn; replaces aspartic acid 850 with asparagine.
Molecular consequence: missense variant. On other transcripts: non-coding transcript variant (2).
Genome position (GRCh38, 1-based): chr9:95,467,128, C>T on the plus strand (G>A on the coding strand, the complement: PTCH1 is on the minus strand). VCF-style: chr9-95467128-C-T. GRCh37 (hg19) VCF-style: chr9-98229410-C-T.
Other names: c.2350G>A, p.Asp784Asn (NM_001083602.3); c.2545G>A, p.Asp849Asn (NM_001083603.3); c.2095G>A, p.Asp699Asn (NM_001083604.3, NM_001083605.3, NM_001083606.3 and 1 more transcripts); c.2392G>A, p.Asp798Asn (NM_001354918.2); short protein forms D849N, D798N, D784N, D850N, D699N.
Identifiers: ClinVar variation 4845071 (VCV004845071.1).
Genomic context (GRCh38, chr9:95,467,128, plus strand): 5'-TGAACACGCAAAAGACCGAAAGGACGAGAGCCTCCCACGCCGTCTTACCCTGAAGCCAGT[C>T]TCTGAAGTAGTGCAGCCACATTTTGGGAAGCTGTTTGTTTTCTTCCAACATGACATACTT-3'
Protein context (NP_000255.2, residues 840-860): LPKMWLHYFR[Asp850Asn]WLQGLQDAFD

ClinVar aggregate classification (germline): Uncertain significance (1 of 4 stars; one submission).

Conditions:
Hereditary cancer-predisposing syndrome. Also called: Neoplastic Syndromes, Hereditary; Tumor predisposition; Hereditary Cancer Syndrome; Hereditary neoplastic syndrome. Identifiers: Orphanet 140162, MedGen C0027672, MeSH D009386, MONDO:0015356.

Submission:

Ambry Genetics
Classification: Uncertain significance for Hereditary cancer-predisposing syndrome. Last evaluated: 2026-02-06. Review status: criteria provided, single submitter. Criteria: Ambry Variant Classification Scheme 2023. Collection method: clinical testing. Allele origin: germline.
Comment: The p.D850N variant (also known as c.2548G>A), located in coding exon 15 of the PTCH1 gene, results from a G to A substitution at nucleotide position 2548. The aspartic acid at codon 850 is replaced by asparagine, an amino acid with highly similar properties. This amino acid position is well conserved in available vertebrate species. In addition, the in silico prediction for this alteration is inconclusive. Based on the available evidence, the clinical significance of this variant remains unclear.